The following is an entry in ClinVar:

ClinVar aggregate classification (germline): Uncertain significance (1 of 4 stars; one submission).

Conditions:
SSR4-congenital disorder of glycosylation. Also called: SSR4-CDG; CDG IY; Congenital disorder of glycosylation type 1y. Identifiers: Orphanet 370927, MedGen C4012395, MONDO:0010490, OMIM 300934.

Allele frequency attached by ClinVar (database versions not stated): TOPMed below 0.00001; gnomAD 0.00002.
gnomAD v4.1: 10 of 1,205,643 alleles (0.00083%); highest among the groups gnomAD compares: Non-Finnish European, 0.0011%; no homozygotes.

Submission:

Victorian Clinical Genetics Services, Murdoch Childrens Research Institute
Classification: Uncertain significance for SSR4-congenital disorder of glycosylation. Last evaluated: 2021-05-06. Review status: criteria provided, single submitter. Criteria: ACMG Guidelines, 2015. Collection method: clinical testing. Allele origin: germline. Inheritance: X-linked recessive inheritance.
Comment: Based on the classification scheme VCGS_Germline_v1.3.4, this variant is classified as VUS-3C. Following criteria are met: 0102 - Loss of function is a known mechanism of disease in this gene and is associated with congenital disorder of glycosylation type Iy (MIM#300934). (I) 0109 - This gene is associated with X-linked recessive disease. (I) 0200 - Variant is predicted to result in a missense amino acid change from asparagine to lysine. (I) 0253 - This variant is hemizygous. (I) 0304 - Variant is present in gnomAD (v3) <0.01 for a recessive condition (1 heterozygote, 0 homozygotes, 1 hemizygote). (SP) 0503 - Missense variant consistently predicted to be tolerated by multiple in silico tools or not conserved in placental mammals with a minor amino acid change. (SB) 0600 - Variant is located in the annotated TRAP-delta domain (NCBI). (I) 0705 - No comparable missense variants have previous evidence for pathogenicity. (I) 0807 - This variant has no previous evidence of pathogenicity. (I) 0905 - No published segregation evidence has been identified for this variant. (I) 1007 - No published functional evidence has been identified for this variant. (I) 1208 - Inheritance information for this variant is not currently available in this individual. (I) Legend: (SP) - Supporting pathogenic, (I) - Information, (SB) - Supporting benign

NM_006280.3(SSR4):c.429C>A (p.Asn143Lys)

Gene: SSR4 (signal sequence receptor subunit 4; plus strand). Cytogenetic location: Xq28.
Variant type: single nucleotide variant.
Coding change: c.429C>A on transcript NM_006280.3 (MANE Select); coding-DNA position 429, C replaced by A.
Protein change: p.Asn143Lys; replaces asparagine 143 with lysine.
Molecular consequence: missense variant.
Genome position (GRCh38, 1-based): chrX:153,798,340, C>A. VCF-style: chrX-153798340-C-A. GRCh37 (hg19) VCF-style: chrX-153063795-C-A.
Other names: c.462C>A, p.Asn154Lys (NM_001204526.2); c.453C>A, p.Asn151Lys (NM_001204527.2); short protein forms N143K, N151K, N154K.
Identifiers: ClinVar variation 1806350 (VCV001806350.1), dbSNP rs967886135, ClinGen allele CA337252406.